The following is an entry in ClinVar:

ClinVar aggregate classification (germline): Benign/Likely benign. Review status: criteria provided, multiple submitters, no conflicts (2 of 4 stars). 7 submissions from 7 submitters: Benign (1); Likely benign (5). 1 of the submissions does not count toward it. Last evaluated 2026-01-26.

Conditions:
Cone-rod synaptic disorder, congenital nonprogressive. Also called: NIGHT BLINDNESS, CONGENITAL STATIONARY, INCOMPLETE, AUTOSOMAL RECESSIVE. Identifiers: Orphanet 215, MedGen C4041558, MONDO:0012490, OMIM 610427.

Allele frequency attached by ClinVar (database versions not stated): ExAC 0.00511; gnomAD exomes 0.00540 and 0.00344; 1000 Genomes Project 0.00240; ESP Exome Variant Server 0.00262; 1000 Genomes Project 30x 0.00281; gnomAD 0.00310 and 0.00342; TOPMed 0.00413.
gnomAD v4.1: 8,131 of 1,572,306 alleles (0.52%); highest among the groups gnomAD compares: Non-Finnish European, 0.64%; 34 homozygotes.

Submissions (7):

Labcorp Genetics (formerly Invitae), Labcorp
Classification: Benign. Last evaluated: 2026-01-26. Review status: criteria provided, single submitter. Criteria: Invitae Variant Classification Sherloc (09022015). Collection method: clinical testing. Allele origin: germline.

Blueprint Genetics
Classification: Likely benign. Last evaluated: 2024-11-27. Review status: criteria provided, single submitter. Criteria: ACMG Guidelines, 2015. Collection method: clinical testing. Allele origin: germline.

CeGaT Center for Human Genetics Tuebingen
Classification: Likely benign. Last evaluated: 2023-06-01. Review status: criteria provided, single submitter. Criteria: CeGaT Center For Human Genetics Tuebingen Variant Classification Criteria Version 2. Collection method: clinical testing. Allele origin: germline. Affected: yes. Observed: 2 variant alleles.
Comment: CABP4: BP4, BP7, BS2

Illumina Laboratory Services, Illumina
Classification: Likely benign for Cone-rod synaptic disorder, congenital nonprogressive. Last evaluated: 2018-01-13. Review status: criteria provided, single submitter. Criteria: ICSL Variant Classification Criteria 13 December 2019. Collection method: clinical testing. Allele origin: germline.
Comment: This variant was observed in the ICSL laboratory as part of a predisposition screen in an ostensibly healthy population. It had not been previously curated by ICSL or reported in the Human Gene Mutation Database (HGMD: prior to June 1st, 2018), and was therefore a candidate for classification through an automated scoring system. Utilizing variant allele frequency, disease prevalence and penetrance estimates, and inheritance mode, an automated score was calculated to assess if this variant is too frequent to cause the disease. Based on the score and internal cut-off values, a variant classified as likely benign is not then subjected to further curation. The score for this variant resulted in a classification of likely benign for this disease.

Clinical Genetics DNA and cytogenetics Diagnostics Lab, Erasmus MC, Erasmus Medical Center
Classification: Likely benign for Cone-rod synaptic disorder, congenital nonprogressive. Last evaluated: 2017-06-28. Review status: criteria provided, single submitter. Criteria: ACGS Guidelines, 2013. Collection method: clinical testing. Allele origin: germline. Affected: yes. Study: VKGL Data-share Consensus.

Breakthrough Genomics
Classification: Likely benign. Review status: criteria provided, single submitter. Criteria: ACMG Guidelines, 2015. Collection method: not provided. Allele origin: germline. Inheritance: Autosomal recessive inheritance. Affected: yes.

Clinical Genetics, Academic Medical Center
Classification: Benign. Review status: no assertion criteria provided. Collection method: clinical testing. Allele origin: germline. Affected: yes. Study: VKGL Data-share Consensus. Not counted in ClinVar's aggregate classification.

NM_145200.5(CABP4):c.360C>T (p.Phe120=)

Gene: CABP4 (calcium binding protein 4; plus strand). Cytogenetic location: 11q13.2.
Variant type: single nucleotide variant.
Coding change: c.360C>T on transcript NM_145200.5 (MANE Select); coding-DNA position 360, C replaced by T.
Protein change: p.Phe120=; no amino-acid change (phenylalanine 120 retained).
Molecular consequence: synonymous variant. On other transcripts: 5 prime UTR variant (3), non-coding transcript variant (1).
Genome position (GRCh38, 1-based): chr11:67,455,783, C>T. VCF-style: chr11-67455783-C-T. GRCh37 (hg19) VCF-style: chr11-67223254-C-T.
Other names: c.-24C>T (NM_001300895.3); c.-38C>T (NM_001300896.3, NM_001379183.1).
Identifiers: ClinVar variation 305647 (VCV000305647.44), dbSNP rs192900242, ClinGen allele CA6140143.